The following is an entry in ClinVar:

NM_032043.3(BRIP1):c.798G>A (p.Thr266=)

Gene: BRIP1 (BRCA1 interacting DNA helicase 1; minus strand). Cytogenetic location: 17q23.2.
Variant type: single nucleotide variant.
Coding change: c.798G>A on transcript NM_032043.3 (MANE Select); coding-DNA position 798, G replaced by A.
Protein change: p.Thr266=; no amino-acid change (threonine 266 retained).
Molecular consequence: synonymous variant.
Genome position (GRCh38, 1-based): chr17:61,808,587, C>T on the plus strand (G>A on the coding strand, the complement: BRIP1 is on the minus strand). VCF-style: chr17-61808587-C-T. GRCh37 (hg19) VCF-style: chr17-59885948-C-T.
Identifiers: ClinVar variation 483147 (VCV000483147.19), dbSNP rs1260055674, ClinGen allele CA501335454.

ClinVar aggregate classification (germline): Benign/Likely benign. Review status: criteria provided, multiple submitters, no conflicts (2 of 4 stars). 5 submissions from 5 submitters: Benign (1); Likely benign (4). Last evaluated 2025-07-07.

Conditions:
Breast and/or ovarian cancer. Identifiers: MedGen CN221562.
Hereditary cancer-predisposing syndrome. Also called: Hereditary neoplastic syndrome; Neoplastic Syndromes, Hereditary; Tumor predisposition; Hereditary Cancer Syndrome. Identifiers: Orphanet 140162, MedGen C0027672, MeSH D009386, MONDO:0015356.
Fanconi anemia complementation group J. Also called: BRIP1-Related Fanconi Anemia. Identifiers: Orphanet 84, MedGen C1836860, MONDO:0012187, OMIM 609054.
Familial cancer of breast. Also called: BREAST CANCER, FAMILIAL; Hereditary breast cancer; hereditary breast carcinoma. Identifiers: Orphanet 227535, MedGen C0346153, MONDO:0016419, OMIM 114480. Disease mechanism: loss of function.

Allele frequency attached by ClinVar (database versions not stated): gnomAD exomes below 0.00001 and 0.00001.
gnomAD v4.1: 10 of 1,613,802 alleles (0.00062%); highest among the groups gnomAD compares: Non-Finnish European, 0.00085%; no homozygotes.

Submissions (5):

Labcorp Genetics (formerly Invitae), Labcorp
Classification: Likely benign for Familial cancer of breast; Fanconi anemia complementation group J. Last evaluated: 2025-07-07. Review status: criteria provided, single submitter. Criteria: Invitae Variant Classification Sherloc (09022015). Collection method: clinical testing. Allele origin: germline.

Myriad Genetics, Inc.
Classification: Benign for Familial cancer of breast. Last evaluated: 2024-08-22. Review status: criteria provided, single submitter. Criteria: Myriad Autosomal Dominant, Autosomal Recessive and X-Linked Classification Criteria (2023). Collection method: clinical testing. Allele origin: unknown.
Comment: This variant is considered benign. This variant is a silent/synonymous amino acid change and it is not expected to impact splicing.

CHEO Genetics Diagnostic Laboratory, Children's Hospital of Eastern Ontario
Classification: Likely benign for Breast and/or ovarian cancer. Last evaluated: 2022-07-26. Review status: criteria provided, single submitter. Criteria: ACMG Guidelines, 2015. Collection method: clinical testing. Allele origin: germline.

Color Diagnostics, LLC DBA Color Health
Classification: Likely benign for Hereditary cancer-predisposing syndrome. Last evaluated: 2022-04-05. Review status: criteria provided, single submitter. Criteria: ACMG Guidelines, 2015. Collection method: clinical testing. Allele origin: germline.

Ambry Genetics
Classification: Likely benign for Hereditary cancer-predisposing syndrome. Last evaluated: 2015-12-29. Review status: criteria provided, single submitter. Criteria: Ambry Variant Classification Scheme 2023. Collection method: clinical testing. Allele origin: germline.